The following is an entry in ClinVar:

ClinVar aggregate classification (germline): Uncertain significance. Review status: criteria provided, multiple submitters, no conflicts (2 of 4 stars). 2 submissions from 2 submitters: Uncertain significance (2). Last evaluated 2025-07-03.

Conditions:
Inborn genetic diseases. Identifiers: MedGen C0950123, MeSH D030342.

Submissions (2):

Ambry Genetics
Classification: Uncertain significance for Inborn genetic diseases. Last evaluated: 2025-07-03. Review status: criteria provided, single submitter. Criteria: Ambry Variant Classification Scheme 2023. Collection method: clinical testing. Allele origin: germline.

GeneDx
Classification: Uncertain significance. Last evaluated: 2024-07-03. Review status: criteria provided, single submitter. Criteria: GeneDx Variant Classification Process June 2021. Collection method: clinical testing. Allele origin: germline. Affected: yes.
Comment: Not observed at significant frequency in large population cohorts (gnomAD); In silico analysis supports that this missense variant has a deleterious effect on protein structure/function; Has not been previously published as pathogenic or benign to our knowledge

NM_003235.5(TG):c.2762G>A (p.Cys921Tyr)

Gene: TG (thyroglobulin; plus strand). Cytogenetic location: 8q24.22.
Variant type: single nucleotide variant.
Coding change: c.2762G>A on transcript NM_003235.5 (MANE Select); coding-DNA position 2762, G replaced by A.
Protein change: p.Cys921Tyr; replaces cysteine 921 with tyrosine.
Molecular consequence: missense variant.
Genome position (GRCh38, 1-based): chr8:132,893,690, G>A. VCF-style: chr8-132893690-G-A. GRCh37 (hg19) VCF-style: chr8-133905935-G-A.
Other names: short protein forms C921Y.
Identifiers: ClinVar variation 3393888 (VCV003393888.2).